The following is an entry in ClinVar:

NM_001378454.1(ALMS1):c.7288A>G (p.Ser2430Gly)

Gene: ALMS1 (ALMS1 centrosome and basal body associated protein; plus strand). Cytogenetic location: 2p13.1.
Variant type: single nucleotide variant.
Coding change: c.7288A>G on transcript NM_001378454.1 (MANE Select); coding-DNA position 7288, A replaced by G.
Protein change: p.Ser2430Gly; replaces serine 2430 with glycine.
Molecular consequence: missense variant.
Genome position (GRCh38, 1-based): chr2:73,453,815, A>G. VCF-style: chr2-73453815-A-G. GRCh37 (hg19) VCF-style: chr2-73680942-A-G.
Other names: c.7291A>G, p.Ser2431Gly (NM_015120.4); short protein forms S2431G, S2430G.
Identifiers: ClinVar variation 390212 (VCV000390212.9), dbSNP rs539112266, ClinGen allele CA16604381.

ClinVar aggregate classification (germline): Uncertain significance. Review status: criteria provided, multiple submitters, no conflicts (2 of 4 stars). 6 submissions from 6 submitters: Uncertain significance (5). 1 of the submissions does not count toward it. Last evaluated 2024-10-09.

Conditions:
Cardiovascular phenotype. Identifiers: MedGen CN230736.
Alstrom syndrome (ALMS). Identifiers: Orphanet 64, MedGen C0268425, MONDO:0008763, OMIM 203800.

Allele frequency attached by ClinVar (database versions not stated): TOPMed 0.00003.
gnomAD v4.1: 47 of 1,614,054 alleles (0.0029%); highest among the groups gnomAD compares: Non-Finnish European, 0.0039%; no homozygotes.

Submissions (6):

Blueprint Genetics
Classification: Uncertain significance. Last evaluated: 2024-10-09. Review status: criteria provided, single submitter. Criteria: ACMG Guidelines, 2015. Collection method: clinical testing. Allele origin: germline.

Labcorp Genetics (formerly Invitae), Labcorp
Classification: Uncertain significance for Alstrom syndrome. Last evaluated: 2022-09-04. Review status: criteria provided, single submitter. Criteria: Invitae Variant Classification Sherloc (09022015). Collection method: clinical testing. Allele origin: germline.
Comment: This sequence change replaces serine, which is neutral and polar, with glycine, which is neutral and non-polar, at codon 2431 of the ALMS1 protein (p.Ser2431Gly). This variant is present in population databases (no rsID available, gnomAD 0.0009%). This variant has not been reported in the literature in individuals affected with ALMS1-related conditions. ClinVar contains an entry for this variant (Variation ID: 390212). Experimental studies and prediction algorithms are not available or were not evaluated, and the functional significance of this variant is currently unknown. In summary, the available evidence is currently insufficient to determine the role of this variant in disease. Therefore, it has been classified as a Variant of Uncertain Significance.

Ambry Genetics
Classification: Uncertain significance for Cardiovascular phenotype. Last evaluated: 2022-04-19. Review status: criteria provided, single submitter. Criteria: Ambry Variant Classification Scheme 2023. Collection method: clinical testing. Allele origin: germline.
Comment: The p.S2431G variant (also known as c.7291A>G), located in coding exon 8 of the ALMS1 gene, results from an A to G substitution at nucleotide position 7291. The serine at codon 2431 is replaced by glycine, an amino acid with similar properties. This amino acid position is well conserved in available vertebrate species. In addition, the in silico prediction for this alteration is inconclusive. Since supporting evidence is limited at this time, the clinical significance of this alteration remains unclear.

Fulgent Genetics
Classification: Uncertain significance for Alstrom syndrome. Last evaluated: 2022-04-05. Review status: criteria provided, single submitter. Criteria: ACMG Guidelines, 2015. Collection method: clinical testing. Allele origin: unknown.

GeneDx
Classification: Uncertain significance. Last evaluated: 2016-10-24. Review status: criteria provided, single submitter. Criteria: GeneDx Variant Classification (06012015). Collection method: clinical testing. Allele origin: germline. Affected: yes.
Comment: A variant of uncertain significance has been identified in the ALMS1 gene. The S2431G variant has not been published as a pathogenic variant, nor has it been reported as a benign variant to our knowledge. The S2431G variant was not observed in approximately 6000 individuals of European and African American ancestry in the NHLBI Exome Sequencing Project, indicating it is not a common benign variant in these populations. The S2431G variant is a non-conservative amino acid substitution, which is likely to impact secondary protein structure as these residues differ in polarity, charge, size and/or other properties. Subsequently, although this substitution occurs at a position where amino acids with similar properties to serine are tolerated across species, G2431 is not tolerated. Splicing algorithims predict that this change may create a cryptic splice donor site that is upstream of the natural donor site, however, functional studies are necessary to determine the consequences of this change. Lastly, while some missense variants have been reported in association with Alstrom syndrome, most pathogenic variants in ALMS1 reported to date introduce a premature termination codon (Marshall et al., 2012; Stenson et al., 2014).

Natera, Inc.
Classification: Uncertain significance for Alstrom syndrome. Last evaluated: 2020-03-11. Review status: no assertion criteria provided. Collection method: clinical testing. Allele origin: germline. Not counted in ClinVar's aggregate classification.